The following is an entry in ClinVar:

ClinVar aggregate classification (germline): Uncertain significance. Review status: criteria provided, multiple submitters, no conflicts (2 of 4 stars). 3 submissions from 3 submitters: Uncertain significance (3). Last evaluated 2025-05-18.

Conditions:
Pheochromocytoma/paraganglioma syndrome 3. Also called: GLOMUS TUMORS, FAMILIAL, 3; Paragangliomas 3; SDHC-Related Hereditary Paraganglioma-Pheochromocytoma Syndrome (Paragangliomas 3); SDHC-Related Hereditary Paraganglioma-Pheochromocytoma Syndrome. Identifiers: Orphanet 29072, MedGen C1854336, MONDO:0011544, OMIM 605373.
Gastrointestinal stromal tumor. Also called: Gastrointestinal stroma tumor; Gastrointestinal stromal tumor, somatic. Identifiers: Orphanet 44890, MedGen C0238198, MeSH D046152, MONDO:0011719, OMIM 606764, HP:0100723.
Carney-Stratakis syndrome. Also called: PARAGANGLIOMA AND GASTROINTESTINAL STROMAL TUMOR. Identifiers: Orphanet 97286, MedGen C1847319, MONDO:0011740, OMIM 606864.
Hereditary cancer-predisposing syndrome. Also called: Hereditary neoplastic syndrome; Neoplastic Syndromes, Hereditary; Hereditary Cancer Syndrome; Tumor predisposition. Identifiers: Orphanet 140162, MedGen C0027672, MeSH D009386, MONDO:0015356.

Allele frequency attached by ClinVar (database versions not stated): gnomAD exomes below 0.00001.
gnomAD v4.1: 2 of 1,614,140 alleles (0.00012%); highest among the groups gnomAD compares: African/African-American, 0.0013%; no homozygotes.

Submissions (3):

Ambry Genetics
Classification: Uncertain significance for Hereditary cancer-predisposing syndrome. Last evaluated: 2025-05-18. Review status: criteria provided, single submitter. Criteria: Ambry Variant Classification Scheme 2023. Collection method: clinical testing. Allele origin: germline.

Labcorp Genetics (formerly Invitae), Labcorp
Classification: Uncertain significance for Pheochromocytoma/paraganglioma syndrome 3; Gastrointestinal stromal tumor. Last evaluated: 2023-09-30. Review status: criteria provided, single submitter. Criteria: Invitae Variant Classification Sherloc (09022015). Collection method: clinical testing. Allele origin: germline.
Comment: In summary, the available evidence is currently insufficient to determine the role of this variant in disease. Therefore, it has been classified as a Variant of Uncertain Significance. Algorithms developed to predict the effect of missense changes on protein structure and function output the following: SIFT: "Not Available"; PolyPhen-2: "Benign"; Align-GVGD: "Not Available". The valine amino acid residue is found in multiple mammalian species, which suggests that this missense change does not adversely affect protein function. ClinVar contains an entry for this variant (Variation ID: 2067399). This variant has not been reported in the literature in individuals affected with SDHC-related conditions. This variant is not present in population databases (gnomAD no frequency). This sequence change replaces alanine, which is neutral and non-polar, with valine, which is neutral and non-polar, at codon 119 of the SDHC protein (p.Ala119Val).

Department of Pathology and Laboratory Medicine, Sinai Health System
Classification: Uncertain significance for Pheochromocytoma/paraganglioma syndrome 3; Gastrointestinal stromal tumor; Carney-Stratakis syndrome. Last evaluated: 2023-02-08. Review status: criteria provided, single submitter. Criteria: ACMG Guidelines, 2015. Collection method: research. Allele origin: germline.

NM_003001.5(SDHC):c.356C>T (p.Ala119Val)

Gene: SDHC (succinate dehydrogenase complex subunit C; plus strand). Cytogenetic location: 1q23.3.
Variant type: single nucleotide variant.
Coding change: c.356C>T on transcript NM_003001.5 (MANE Select); coding-DNA position 356, C replaced by T.
Protein change: p.Ala119Val; replaces alanine 119 with valine.
Molecular consequence: missense variant. On other transcripts: non-coding transcript variant (1), intron variant (3).
Genome position (GRCh38, 1-based): chr1:161,356,791, C>T. VCF-style: chr1-161356791-C-T. GRCh37 (hg19) VCF-style: chr1-161326581-C-T.
Other names: c.254C>T, p.Ala85Val (NM_001035512.3); c.197C>T, p.Ala66Val (NM_001035513.3); c.476C>T, p.Ala159Val (NM_001407115.1); c.299C>T, p.Ala100Val (NM_001407116.1); c.293C>T, p.Ala98Val (NM_001407117.1); c.248C>T, p.Ala83Val (NM_001407118.1); c.245C>T, p.Ala82Val (NM_001407119.1, NM_001407120.1); c.242-5538C>T (NM_001035511.3); and 2 more; short protein forms A82V, A83V, A85V, A66V, A100V, A119V, A159V, A98V.
Identifiers: ClinVar variation 2067399 (VCV002067399.8), dbSNP rs2526537440, ClinGen allele CA343456604.